The following is an entry in ClinVar:

ClinVar aggregate classification (germline): Pathogenic. Review status: criteria provided, multiple submitters, no conflicts (2 of 4 stars). 8 submissions from 8 submitters: Pathogenic (7). 1 of the submissions does not count toward it. Last evaluated 2025-12-07.

Conditions:
Becker muscular dystrophy (BMD). Also called: Becker Muscular Dystrophy (BMD); MUSCULAR DYSTROPHY, PSEUDOHYPERTROPHIC PROGRESSIVE, BECKER TYPE. Identifiers: Orphanet 98895, MedGen C0917713, MONDO:0010311, OMIM 300376.
Duchenne muscular dystrophy (DMD). Also called: Duchenne Muscular Dystrophy (DMD); MUSCULAR DYSTROPHY, PSEUDOHYPERTROPHIC PROGRESSIVE, DUCHENNE TYPE. Identifiers: Orphanet 98896, MedGen C0013264, MONDO:0010679, OMIM 310200.
Cardiomyopathy (CMYO). Also called: Cardiomyopathies. Identifiers: Orphanet 167848, MedGen C0878544, MONDO:0004994, HP:0001638. Inheritance: Various modes of inheritance.
Dystrophin deficiency.
Neuromuscular disease caused by qualitative or quantitative defects of dystrophin. Also called: Qualitative or quantitative defects of dystrophin. Identifiers: Orphanet 207085, MedGen C5679787, MONDO:0016147.

Submissions (8):

Labcorp Genetics (formerly Invitae), Labcorp
Classification: Pathogenic for Duchenne muscular dystrophy. Last evaluated: 2025-12-07. Review status: criteria provided, single submitter. Criteria: Invitae Variant Classification Sherloc (09022015). Collection method: clinical testing. Allele origin: germline.
Comment: This sequence change creates a premature translational stop signal (p.Arg1459*) in the DMD gene. It is expected to result in an absent or disrupted protein product. Loss-of-function variants in DMD are known to be pathogenic (PMID: 16770791, 25007885). This variant is not present in population databases (gnomAD no frequency). This premature translational stop signal has been observed in individuals with DMD-related dystrophinopathies (PMID: 7611292, 9067763, 16834926, 21515508, 23453023, 27593222). Invitae Evidence Modeling of clinical and family history, age, sex, and reported ancestry of multiple individuals with this DMD variant has been performed. This variant is expected to be pathogenic with a positive predictive value of at least 99%. This is a validated machine learning model that incorporates the clinical features of 600,801 individuals referred to our laboratory for DMD testing. ClinVar contains an entry for this variant (Variation ID: 94623). For these reasons, this variant has been classified as Pathogenic.

3billion
Classification: Pathogenic for Duchenne muscular dystrophy. Last evaluated: 2024-10-10. Review status: criteria provided, single submitter. Criteria: ACMG Guidelines, 2015. Collection method: clinical testing. Allele origin: germline. Affected: yes.
Comment: The variant is not observed in the gnomAD v4.1.0 dataset. Predicted Consequence/Location: Stop-gained (nonsense): predicted to result in a loss or disruption of normal protein function through nonsense-mediated decay (NMD) or protein truncation. Multiple pathogenic variants are reported downstream of the variant. The variant has been reported at least twice as pathogenic with clinical assertions and evidence for the classification (ClinVar ID: VCV000094623 /PMID: 7611292 /3billion dataset). Therefore, this variant is classified as Pathogenic according to the recommendation of ACMG/AMP guideline.

Revvity Omics, Revvity
Classification: Pathogenic. Last evaluated: 2024-09-27. Review status: criteria provided, single submitter. Criteria: ACMG Guidelines, 2015. Collection method: clinical testing. Allele origin: germline.

Women's Health and Genetics/Laboratory Corporation of America, LabCorp
Classification: Pathogenic for Dystrophinopathies. Last evaluated: 2020-02-02. Review status: criteria provided, single submitter. Criteria: LabCorp Variant Classification Summary - May 2015. Collection method: clinical testing. Allele origin: germline.
Comment: Variant summary: DMD c.4375C>T (p.Arg1459X) results in a premature termination codon, predicted to cause a truncation of the encoded protein or absence of the protein due to nonsense mediated decay, which are commonly known mechanisms for disease. Truncations downstream of this position have been classified as pathogenic by our laboratory. The variant was absent in 182456 control chromosomes. c.4375C>T has been reported in the literature in individuals affected with Dystrophinopathies (example, Prior_1995, Mah_2011, Cho_2017, Wang_2019). These data indicate that the variant is likely to be associated with disease. At least one publication reports experimental evidence evaluating an impact on protein function. The most pronounced variant effect results in absent expression of Dystrophin C-terminus protein (example, Wang_2019). Two clinical diagnostic laboratories have submitted clinical-significance assessments for this variant to ClinVar after 2014 without evidence for independent evaluation. All laboratories classified the variant as pathogenic. Based on the evidence outlined above, the variant was classified as pathogenic.

Eurofins Ntd Llc (ga)
Classification: Pathogenic. Last evaluated: 2017-11-07. Review status: criteria provided, single submitter. Criteria: EGL Classification Definitions 2015. Collection method: clinical testing. Allele origin: germline. Observed: 4 variant alleles, 1 heterozygote, 3 hemizygotes.

Athena Diagnostics
Classification: Pathogenic for Duchenne muscular dystrophy. Last evaluated: 2014-06-17. Review status: criteria provided, single submitter. Criteria: Athena Diagnostics Criteria. Collection method: clinical testing. Allele origin: germline. Inheritance: X-linked recessive inheritance.
Comment: X-linked recessive inheritance

Clinical Biomedical Laboratory, Shriners Hospital For Children - Canada
Classification: Pathogenic for Duchenne muscular dystrophy. Review status: criteria provided, single submitter. Criteria: ACMG Guidelines, 2015. Collection method: clinical testing. Allele origin: germline. Affected: yes.
Comment: This variant is predicted to substitute an arginine residue by a stop codon. This is expected to lead to degradation of the affected transcript and loss of function of the affected allele. Loss of function variants in DMD are associated with Duchenne Muscular Dystrophy, which corresponds to the clinical diagnosis of the proband. This variant is absent from the Genome Aggregation Database (v2.1.1.), indicating it is very rare. This variant has been reported in the literature multiple times (e.g., PMID 20485447). Based on the ACMG variant interpretation guidelines (criteria: PVS1, PM2, PS3), the available evidence supports classification of this variant as pathogenic.

Natera, Inc.
Classification: Pathogenic for Becker muscular dystrophy; Cardiomyopathy; Duchenne muscular dystrophy; Dystrophin deficiency. Last evaluated: 2021-10-12. Review status: no assertion criteria provided. Collection method: clinical testing. Allele origin: germline. Not counted in ClinVar's aggregate classification.

Literature cited by the submitters: PubMed 16770791 (cited by Labcorp Genetics (formerly Invitae), Labcorp); PubMed 25007885 (cited by Labcorp Genetics (formerly Invitae), Labcorp); PubMed 7611292 (cited by 5 submitters); PubMed 9067763 (cited by Labcorp Genetics (formerly Invitae), Labcorp and Athena Diagnostics); PubMed 16834926 (cited by Labcorp Genetics (formerly Invitae), Labcorp); PubMed 21515508 (cited by Labcorp Genetics (formerly Invitae), Labcorp and Women's Health and Genetics/Laboratory Corporation of America, LabCorp); PubMed 23453023 (cited by Labcorp Genetics (formerly Invitae), Labcorp and Athena Diagnostics); PubMed 27593222 (cited by Labcorp Genetics (formerly Invitae), Labcorp and Women's Health and Genetics/Laboratory Corporation of America, LabCorp); PubMed 30833962 (cited by Women's Health and Genetics/Laboratory Corporation of America, LabCorp).

NM_004006.3(DMD):c.4375C>T (p.Arg1459Ter)

Gene: DMD (dystrophin; minus strand). Cytogenetic location: Xp21.1.
Variant type: single nucleotide variant.
Coding change: c.4375C>T on transcript NM_004006.3 (MANE Select); coding-DNA position 4375, C replaced by T.
Protein change: p.Arg1459Ter; replaces arginine 1459 with a stop codon.
Molecular consequence: nonsense.
Genome position (GRCh38, 1-based): chrX:32,389,644, G>A on the plus strand (C>T on the coding strand, the complement: DMD is on the minus strand). VCF-style: chrX-32389644-G-A. GRCh37 (hg19) VCF-style: chrX-32407761-G-A.
Other names: NP_003997.1:p.Arg1459*; c.4351C>T, p.Arg1451Ter (NM_000109.4); c.4363C>T, p.Arg1455Ter (NM_004009.3); c.4006C>T, p.Arg1336Ter (NM_004010.3); c.352C>T, p.Arg118Ter (NM_004011.4); c.343C>T, p.Arg115Ter (NM_004012.4); short protein forms R1459*, R1336*, R115*, R118*, R1451*, R1455*.
Identifiers: ClinVar variation 94623 (VCV000094623.17), dbSNP rs398123953, ClinGen allele CA267021.